The following is an entry in ClinVar:

NM_001371904.1(APOA5):c.427C>A (p.Arg143Ser)

Gene: APOA5 (apolipoprotein A5; minus strand). Cytogenetic location: 11q23.3.
Variant type: single nucleotide variant.
Coding change: c.427C>A on transcript NM_001371904.1 (MANE Select); coding-DNA position 427, C replaced by A.
Protein change: p.Arg143Ser; replaces arginine 143 with serine.
Molecular consequence: missense variant.
Genome position (GRCh38, 1-based): chr11:116,790,802, G>T on the plus strand (C>A on the coding strand, the complement: APOA5 is on the minus strand). VCF-style: chr11-116790802-G-T. GRCh37 (hg19) VCF-style: chr11-116661518-G-T.
Other names: c.427C>A, p.Arg143Ser (NM_001166598.2, NM_052968.5); short protein forms R143S.
Identifiers: ClinVar variation 3228881 (VCV003228881.1), dbSNP rs781667094, ClinGen allele CA6289083.

ClinVar aggregate classification (germline): Uncertain significance (1 of 4 stars; one submission).

Conditions:
Cardiovascular phenotype. Identifiers: MedGen CN230736.

Allele frequency attached by ClinVar (database versions not stated): ExAC 0.00002; gnomAD 0.00002; TOPMed 0.00002.

Submission:

Ambry Genetics
Classification: Uncertain significance for Cardiovascular phenotype. Last evaluated: 2023-10-02. Review status: criteria provided, single submitter. Criteria: Ambry Variant Classification Scheme 2023. Collection method: clinical testing. Allele origin: germline.
Comment: The p.R143S variant (also known as c.427C>A), located in coding exon 3 of the APOA5 gene, results from a C to A substitution at nucleotide position 427. The arginine at codon 143 is replaced by serine, an amino acid with dissimilar properties. This amino acid position is conserved. In addition, this alteration is predicted to be tolerated by in silico analysis. Since supporting evidence is limited at this time, the clinical significance of this alteration remains unclear.